The following continues an entry in ClinVar:

NM_000059.4(BRCA2):c.4061C>T (p.Thr1354Met)

Gene: BRCA2. ClinVar aggregate classification (germline): Benign. Benign (1).

Submissions 19 to 30 of 30:

Clinical Genetics DNA and cytogenetics Diagnostics Lab, Erasmus MC, Erasmus Medical Center
Classification: Benign for Breast-ovarian cancer, familial, susceptibility to, 2. Last evaluated: 2015-09-21. Review status: criteria provided, single submitter. Criteria: ACGS Guidelines, 2013. Collection method: clinical testing. Allele origin: germline. Affected: yes. Study: VKGL Data-share Consensus. Not counted in ClinVar's aggregate classification.

Eurofins Ntd Llc (ga)
Classification: Likely benign. Last evaluated: 2015-09-08. Review status: criteria provided, single submitter. Criteria: EGL Classification Definitions 2015. Collection method: clinical testing. Allele origin: germline. Observed: 1 variant allele, 1 heterozygote. Not counted in ClinVar's aggregate classification.

Color Diagnostics, LLC DBA Color Health
Classification: Likely benign for Hereditary cancer-predisposing syndrome. Last evaluated: 2015-03-10. Review status: criteria provided, single submitter. Criteria: ACMG Guidelines, 2015. Collection method: clinical testing. Allele origin: germline. Not counted in ClinVar's aggregate classification.

Ambry Genetics
Classification: Benign for Hereditary cancer-predisposing syndrome. Last evaluated: 2014-11-19. Review status: criteria provided, single submitter. Criteria: Ambry Variant Classification Scheme 2023. Collection method: clinical testing. Allele origin: germline. Not counted in ClinVar's aggregate classification.

Genome Diagnostics Laboratory, University Medical Center Utrecht
Classification: Benign for Breast-ovarian cancer, familial, susceptibility to, 2. Last evaluated: 2014-10-09. Review status: criteria provided, single submitter. Criteria: ACGS Guidelines, 2013. Collection method: clinical testing. Allele origin: germline. Affected: yes. Study: VKGL Data-share Consensus. Not counted in ClinVar's aggregate classification.

CSER _CC_NCGL, University of Washington
Classification: Likely benign for Breast cancer. Last evaluated: 2014-06-01. Review status: criteria provided, single submitter. Criteria: Amendola et al. (Genome Res. 2015). Collection method: research. Allele origin: germline. Inheritance: Autosomal dominant inheritance. Study: ESP 6500 variant annotation. Not counted in ClinVar's aggregate classification.
Comment: Variants classified for the Actionable exomic incidental findings in 6503 participants: challenges of variant classification manuscript

Counsyl
Classification: Likely benign for Breast-ovarian cancer, familial 2. Last evaluated: 2014-04-12. Review status: no assertion criteria provided. Collection method: literature only. Allele origin: unknown. Inheritance: Autosomal dominant inheritance. Not counted in ClinVar's aggregate classification.

ITMI
No classification provided. Condition: AllHighlyPenetrant. Last evaluated: 2013-09-19. Review status: no classification provided. Collection method: reference population. Allele origin: germline. Not counted in ClinVar's aggregate classification.
Comment: Please see associated publication for description of ethnicities

Sharing Clinical Reports Project (SCRP)
Classification: Benign for Breast-ovarian cancer, familial 2. Last evaluated: 2012-05-01. Review status: no assertion criteria provided. Collection method: clinical testing. Allele origin: germline. Not counted in ClinVar's aggregate classification.

Breast Cancer Information Core (BIC) (BRCA2)
Classification: Uncertain significance for Breast-ovarian cancer, familial 2. Last evaluated: 2004-02-20. Review status: no assertion criteria provided. Collection method: clinical testing. Allele origin: germline. Affected: yes. Observed: 12 variant alleles. Not counted in ClinVar's aggregate classification.

Department of Pathology and Laboratory Medicine, Sinai Health System
Classification: Likely benign. Review status: no assertion criteria provided. Collection method: clinical testing. Allele origin: unknown. Affected: yes. Study: The Canadian Open Genetics Repository (COGR). Not counted in ClinVar's aggregate classification.
Comment: The BRCA2 p.Thr1354Met variant was identified in 6 of 5256 proband chromosomes (frequency: 0.001) from individuals or families with hereditary breast or ovarian cancer (Giannini 2006, Borg 2010, de SanjosâˆšÂ© 2003, Yang 2011). The variant was also identified in the following databases: dbSNP (ID: rs80358656) as â€šÃ„Ã¹ With other alleleâ€šÃ„Ã¹, ClinVar (17 x as benign by ENIGMA, VKGL data share, Invitae, Ambry Genetics, SCRP, as likely benign by EGL Genetics, COGR, Color Genomics, Integrated Genetics, Counsyl, GeneDx and as uncertain significance by BIC), COGR (as likely benign/benign), Cosmic (1x confirmed somatic ovarian carcinoma), LOVD 3.0 (7x as benign or predicted neutral), UMD-LSDB (17 x as likely neutral), BIC Database (12 x as uncertain significance), ARUP Laboratories (as â€šÃ„Ãºclass 1,not pathogenic or of no clinical significanceâ€šÃ„Ã¹). The variant was not identified in MutDB or Zhejiang Colon Cancer Databases. The variant was also identified by our laboratory in 3 individuals with hereditary breast or ovarian cancer and 3 different co-occurring pathogenic variants were identified in each of these individuals (BRCA2, c.7007G>C, p.Arg2336Pro), (BRCA1, c.4096+1G>A, r.spl?) and (BRCA2, c.1103C>A, p.Ser368*), increasing the likelihood that the p.Thr1354Met variant does not have clinical significance. The variant was identified in control databases in 34 of 269620 chromosomes at a frequency of 0.00013 (Genome Aggregation Database Feb 27, 2017). The variant was observed in the following populations: African in 1 of 23878 chromosomes (freq: 0.00004), Other in 2 of 6330 chromosomes (freq: 0.0003), Latino in 4 of 32684 chromosomes (freq: 0.0001), European Non-Finnish in 22 of 124492 chromosomes (freq: 0.00018), Ashkenazi Jewish in 4 of 9770 chromosomes (freq: 0.0004), and South Asian in 1 of 28178 chromosomes (freq: 0.000035); the variant was not observed in the East Asian or European Finnish populations. The p.Thr1354 residue is not conserved in mammals and computational analyses (PolyPhen-2, SIFT, AlignGVGD, BLOSUM, MutationTaster) provide inconsistent predictions regarding the impact to the protein (Capanu 2011, Easton 2007, Lindor 2012); this information is not very predictive of pathogenicity. The variant occurs outside of the splicing consensus sequence and in silico or computational prediction software programs (SpliceSiteFinder, MaxEntScan, NNSPLICE, GeneSplicer, HumanSpliceFinder) do not predict a difference in splicing. In summary, based on the above information the clinical significance of this variant cannot be determined with certainty at this time although we would lean towards a more benign role for this variant. This variant is classified as likely benign.

Joint Genome Diagnostic Labs from Nijmegen and Maastricht, Radboudumc and MUMC+
Classification: Benign. Review status: no assertion criteria provided. Collection method: clinical testing. Allele origin: germline. Affected: yes. Study: VKGL Data-share Consensus. Not counted in ClinVar's aggregate classification.

Literature cited by the submitters: PubMed 21990134 (cited by 3 submitters); PubMed 20104584 (cited by Women's Health and Genetics/Laboratory Corporation of America, LabCorp); PubMed 17924331 (cited by Women's Health and Genetics/Laboratory Corporation of America, LabCorp and Counsyl); PubMed 21520273 (cited by Women's Health and Genetics/Laboratory Corporation of America, LabCorp and Counsyl); PubMed 12845657 (cited by Women's Health and Genetics/Laboratory Corporation of America, LabCorp and Counsyl); PubMed 21990299 (cited by Women's Health and Genetics/Laboratory Corporation of America, LabCorp); PubMed 21156238 (cited by Women's Health and Genetics/Laboratory Corporation of America, LabCorp); PubMed 16760289 (cited by Women's Health and Genetics/Laboratory Corporation of America, LabCorp); PubMed 16847550 (cited by Women's Health and Genetics/Laboratory Corporation of America, LabCorp); PubMed 20960228 (cited by Women's Health and Genetics/Laboratory Corporation of America, LabCorp); PubMed 21720365 (cited by Women's Health and Genetics/Laboratory Corporation of America, LabCorp); PubMed 24504028 (cited by Women's Health and Genetics/Laboratory Corporation of America, LabCorp); PubMed 11336395 (cited by Women's Health and Genetics/Laboratory Corporation of America, LabCorp); PubMed 24448499 (cited by Women's Health and Genetics/Laboratory Corporation of America, LabCorp); PubMed 25882375 (cited by Women's Health and Genetics/Laboratory Corporation of America, LabCorp); PubMed 25123297 (cited by Women's Health and Genetics/Laboratory Corporation of America, LabCorp); PubMed 27683183 (cited by Women's Health and Genetics/Laboratory Corporation of America, LabCorp); PubMed 28202063 (cited by Women's Health and Genetics/Laboratory Corporation of America, LabCorp); PubMed 24055113 (cited by Counsyl); PubMed 24728327 (cited by ITMI).